The following is an entry in ClinVar:

NM_000334.4(SCN4A):c.3445G>T (p.Val1149Leu)

Genes: GH-LCR (growth hormone locus control region; plus strand), SCN4A (sodium voltage-gated channel alpha subunit 4; minus strand). Cytogenetic location: 17q23.3.
Variant type: single nucleotide variant.
Coding change: c.3445G>T on transcript NM_000334.4 (MANE Select); coding-DNA position 3445, G replaced by T.
Protein change: p.Val1149Leu; replaces valine 1149 with leucine.
Molecular consequence: missense variant.
Genome position (GRCh38, 1-based): chr17:63,945,635, C>A on the plus strand (G>T on the coding strand, the complement: SCN4A is on the minus strand). VCF-style: chr17-63945635-C-A. GRCh37 (hg19) VCF-style: chr17-62022995-C-A.
Other names: short protein forms V1149L.
Identifiers: ClinVar variation 844682 (VCV000844682.11), dbSNP rs1908692348, ClinGen allele CA400618893.
Genomic context (GRCh38, chr17:63,945,635, plus strand): 5'-TGAGGCAGACAAGCAGCACATTCATGATGGAGGGGATGGCGCCTAGGAGGGCGTTCACCA[C>A]CACCTGGGGGCCAGGGGGTCCATTGCCAGTGCCTCTCCCAGCCTCTGAGAGAGGGCTCCA-3'
Protein context (NP_000325.4, residues 1139-1159): ALSRFEGMRV[Val1149Leu]VNALLGAIPS

ClinVar aggregate classification (germline): Uncertain significance. Review status: criteria provided, single submitter (1 of 4 stars). 2 submissions from 2 submitters: Uncertain significance (1). 1 of the submissions does not count toward it. Last evaluated 2024-02-22.

Conditions:
Hyperkalemic periodic paralysis. Also called: Familial hyperkalemic periodic paralysis; Gamstorp disease. Identifiers: Orphanet 682, MedGen C0238357, MONDO:0008224, OMIM 170500, HP:0007215.

Submissions (2):

Labcorp Genetics (formerly Invitae), Labcorp
Classification: Uncertain significance for Hyperkalemic periodic paralysis. Last evaluated: 2024-02-22. Review status: criteria provided, single submitter. Criteria: Invitae Variant Classification Sherloc (09022015). Collection method: clinical testing. Allele origin: germline.
Comment: This sequence change replaces valine, which is neutral and non-polar, with leucine, which is neutral and non-polar, at codon 1149 of the SCN4A protein (p.Val1149Leu). This variant is not present in population databases (gnomAD no frequency). This missense change has been observed in individual(s) with hyperkalemic periodic paralysis (PMID: 25724373). ClinVar contains an entry for this variant (Variation ID: 844682). Advanced modeling of protein sequence and biophysical properties (such as structural, functional, and spatial information, amino acid conservation, physicochemical variation, residue mobility, and thermodynamic stability) performed at Invitae indicates that this missense variant is expected to disrupt SCN4A protein function with a positive predictive value of 95%. In summary, the available evidence is currently insufficient to determine the role of this variant in disease. Therefore, it has been classified as a Variant of Uncertain Significance.

Department of Neurology and Geriatrics, Kagoshima University Graduate School of Medical and Dental Sciences
Classification: Likely pathogenic for Hyperkalemic periodic paralysis. Last evaluated: 2022-04-12. Review status: no assertion criteria provided. Collection method: research. Allele origin: germline. Affected: yes. Not counted in ClinVar's aggregate classification.

Literature cited by the submitters: PubMed 25724373 (cited by Labcorp Genetics (formerly Invitae), Labcorp).